The following is an entry in ClinVar:

ClinVar aggregate classification (germline): Conflicting classifications of pathogenicity. Review status: criteria provided, conflicting classifications (1 of 4 stars). 6 submissions from 6 submitters: Uncertain significance (4); Likely benign (1). 1 of the submissions does not count toward it. Last evaluated 2026-01-18.

Conditions:
Inborn genetic diseases. Identifiers: MedGen C0950123, MeSH D030342.
Pontocerebellar hypoplasia type 6 (PCH6). Identifiers: Orphanet 166073, MedGen C1969084, MONDO:0012683, OMIM 611523.

Allele frequency attached by ClinVar (database versions not stated): TOPMed 0.00016; ESP Exome Variant Server 0.00069.
gnomAD v4.1: 527 of 1,609,796 alleles (0.033%); highest among the groups gnomAD compares: Non-Finnish European, 0.044%; no homozygotes.

Submissions (6):

Labcorp Genetics (formerly Invitae), Labcorp
Classification: Likely benign. Last evaluated: 2026-01-18. Review status: criteria provided, single submitter. Criteria: Invitae Variant Classification Sherloc (09022015). Collection method: clinical testing. Allele origin: germline.

Ambry Genetics
Classification: Uncertain significance for Inborn genetic diseases. Last evaluated: 2025-12-11. Review status: criteria provided, single submitter. Criteria: Ambry Variant Classification Scheme 2023. Collection method: clinical testing. Allele origin: germline.

GeneDx
Classification: Uncertain significance. Last evaluated: 2024-09-12. Review status: criteria provided, single submitter. Criteria: GeneDx Variant Classification Process June 2021. Collection method: clinical testing. Allele origin: germline. Affected: yes.
Comment: Not observed at significant frequency in large population cohorts (gnomAD); In silico analysis indicates that this missense variant does not alter protein structure/function; Has not been previously published as pathogenic or benign to our knowledge

Fulgent Genetics
Classification: Uncertain significance for Pontocerebellar hypoplasia type 6. Last evaluated: 2018-10-31. Review status: criteria provided, single submitter. Criteria: ACMG Guidelines, 2015. Collection method: clinical testing. Allele origin: unknown.

Illumina Laboratory Services, Illumina
Classification: Uncertain significance for Pontocerebellar hypoplasia type 6. Last evaluated: 2018-01-13. Review status: criteria provided, single submitter. Criteria: ICSL Variant Classification Criteria 13 December 2019. Collection method: clinical testing. Allele origin: germline.

Natera, Inc.
Classification: Uncertain significance for Pontocerebellar hypoplasia, type 6. Last evaluated: 2019-11-11. Review status: no assertion criteria provided. Collection method: clinical testing. Allele origin: germline. Not counted in ClinVar's aggregate classification.

NM_020320.5(RARS2):c.818G>T (p.Arg273Leu)

Gene: RARS2 (arginyl-tRNA synthetase 2, mitochondrial; minus strand). Cytogenetic location: 6q15.
Variant type: single nucleotide variant.
Coding change: c.818G>T on transcript NM_020320.5 (MANE Select); coding-DNA position 818, G replaced by T.
Protein change: p.Arg273Leu; replaces arginine 273 with leucine.
Molecular consequence: missense variant. On other transcripts: non-coding transcript variant (23).
Genome position (GRCh38, 1-based): chr6:87,529,602, C>A on the plus strand (G>T on the coding strand, the complement: RARS2 is on the minus strand). VCF-style: chr6-87529602-C-A. GRCh37 (hg19) VCF-style: chr6-88239320-C-A.
Other names: p.R273L:CGT>CTT; c.293G>T, p.Arg98Leu (NM_001318785.2, NM_001350506.2, NM_001350507.2 and 4 more transcripts); c.818G>T, p.Arg273Leu (NM_001350505.2); short protein forms R273L, R98L.
Identifiers: ClinVar variation 215059 (VCV000215059.18), dbSNP rs139721632, ClinGen allele CA321397.